The following is an entry in ClinVar:

NM_004006.3(DMD):c.2962del (p.Ser988fs)

Gene: DMD (dystrophin; minus strand). Cytogenetic location: Xp21.1.
Variant type: Deletion.
Coding change: c.2962del on transcript NM_004006.3 (MANE Select); coding-DNA position 2962, one base deleted (T; older notation c.2962delT).
Protein change: p.Ser988fs; shifts the reading frame from serine 988.
Molecular consequence: frameshift variant.
Genome position (GRCh38, 1-based): chrX:32,468,698, A deleted on the plus strand (T on the coding strand, the reverse complement: DMD is on the minus strand); the first of 2 consecutive A bases (chrX:32,468,698-32,468,699); deleting either gives the same sequence. VCF-style (leftmost placement, unchanged base first): chrX-32468697-GA-G. GRCh37 (hg19) VCF-style: chrX-32486814-GA-G.
Other names: c.2938del, p.Ser980fs (NM_000109.4); c.2950del, p.Ser984fs (NM_004009.3); c.2593del, p.Ser865fs (NM_004010.3); short protein forms S980fs, S988fs, S984fs, S865fs.
Identifiers: ClinVar variation 3704499 (VCV003704499.2).
Genomic context (GRCh38, chrX:32,468,697, plus strand): 5'-TTCGACATCTCTTTCACAGTGGTGCTGAGATAGTATAGGCCACTTTGTTGCTCTTGCAGA[GA>G]ACTTTGTAAAGCCTAAAAAACAATTTTTTAAATACATTTACCCTAATTGATGAATAATAA-3'

ClinVar aggregate classification (germline): Pathogenic (1 of 4 stars; one submission).

Conditions:
Duchenne muscular dystrophy (DMD). Also called: MUSCULAR DYSTROPHY, PSEUDOHYPERTROPHIC PROGRESSIVE, DUCHENNE TYPE; Duchenne Muscular Dystrophy (DMD). Identifiers: Orphanet 98896, MedGen C0013264, MONDO:0010679, OMIM 310200.

Submission:

Labcorp Genetics (formerly Invitae), Labcorp
Classification: Pathogenic for Duchenne muscular dystrophy. Last evaluated: 2024-05-31. Review status: criteria provided, single submitter. Criteria: Invitae Variant Classification Sherloc (09022015). Collection method: clinical testing. Allele origin: germline.
Comment: This sequence change creates a premature translational stop signal (p.Ser988Leufs*16) in the DMD gene. It is expected to result in an absent or disrupted protein product. Loss-of-function variants in DMD are known to be pathogenic (PMID: 16770791, 25007885). This variant is not present in population databases (gnomAD no frequency). This premature translational stop signal has been observed in individual(s) with clinical features of DMD-related conditions (PMID: 29973226). For these reasons, this variant has been classified as Pathogenic.

Literature cited by the submitters: PubMed 16770791; PubMed 25007885; PubMed 29973226.